The following is an entry in ClinVar:

ClinVar aggregate classification (germline): Uncertain significance. Review status: criteria provided, multiple submitters, no conflicts (2 of 4 stars). 2 submissions from 2 submitters: Uncertain significance (2). Last evaluated 2025-12-22.

Allele frequency attached by ClinVar (database versions not stated): TOPMed 0.00001; gnomAD 0.00001.
gnomAD v4.1: 24 of 1,614,110 alleles (0.0015%); highest among the groups gnomAD compares: East Asian, 0.0045%; no homozygotes.

Submissions (2):

Labcorp Genetics (formerly Invitae), Labcorp
Classification: Uncertain significance. Last evaluated: 2025-12-22. Review status: criteria provided, single submitter. Criteria: Invitae Variant Classification Sherloc (09022015). Collection method: clinical testing. Allele origin: germline.
Comment: This sequence change replaces arginine, which is basic and polar, with histidine, which is basic and polar, at codon 325 of the KCNJ11 protein (p.Arg325His). This variant is present in population databases (rs778793458, gnomAD 0.006%). This missense change has been observed in individual(s) with clinical features of KCNJ11-related conditions (PMID: 32027066). ClinVar contains an entry for this variant (Variation ID: 1712792). Invitae Evidence Modeling of protein sequence and biophysical properties (such as structural, functional, and spatial information, amino acid conservation, physicochemical variation, residue mobility, and thermodynamic stability) has been performed for this missense variant. However, the output from this modeling did not meet the statistical confidence thresholds required to predict the impact of this variant on KCNJ11 protein function. In summary, the available evidence is currently insufficient to determine the role of this variant in disease. Therefore, it has been classified as a Variant of Uncertain Significance.

GeneDx
Classification: Uncertain significance. Last evaluated: 2023-03-01. Review status: criteria provided, single submitter. Criteria: GeneDx Variant Classification Process June 2021. Collection method: clinical testing. Allele origin: germline.
Comment: Identified in a patient with hyperinsulinemia and an unaffected parent in published literature (De Franco et al., 2020); In silico analysis supports that this missense variant does not alter protein structure/function; This variant is associated with the following publications: (PMID: 32027066)

Literature cited by the submitters: PubMed 32027066 (cited by Labcorp Genetics (formerly Invitae), Labcorp).

NM_000525.4(KCNJ11):c.974G>A (p.Arg325His)

Gene: KCNJ11 (potassium inwardly rectifying channel subfamily J member 11; minus strand). Cytogenetic location: 11p15.1.
Variant type: single nucleotide variant.
Coding change: c.974G>A on transcript NM_000525.4 (MANE Select); coding-DNA position 974, G replaced by A.
Protein change: p.Arg325His; replaces arginine 325 with histidine.
Molecular consequence: missense variant.
Genome position (GRCh38, 1-based): chr11:17,387,118, C>T on the plus strand (G>A on the coding strand, the complement: KCNJ11 is on the minus strand). VCF-style: chr11-17387118-C-T. GRCh37 (hg19) VCF-style: chr11-17408665-C-T.
Other names: c.713G>A, p.Arg238His (NM_001166290.2, NM_001377296.1, NM_001377297.1); short protein forms R238H, R325H.
Identifiers: ClinVar variation 1712792 (VCV001712792.4), dbSNP rs778793458, ClinGen allele CA5902207.